The following is an entry in ClinVar:

ClinVar aggregate classification (germline): Uncertain significance. Review status: criteria provided, multiple submitters, no conflicts (2 of 4 stars). 16 submissions from 16 submitters: Uncertain significance (15). 1 of the submissions does not count toward it. Last evaluated 2026-06-23.

Conditions:
Inborn genetic diseases. Identifiers: MedGen C0950123, MeSH D030342.
Very long chain acyl-CoA dehydrogenase deficiency (ACADVLD). Also called: VLCAD Deficiency; Very Long-Chain Acyl-Coenzyme A Dehydrogenase Deficiency. Identifiers: Orphanet 26793, MedGen C3887523, MONDO:0008723, OMIM 201475.

Allele frequency attached by ClinVar (database versions not stated): 1000 Genomes Project 30x 0.00016; 1000 Genomes Project 0.00020; TOPMed 0.00062; gnomAD 0.00064 and 0.00066; ESP Exome Variant Server 0.00092.
gnomAD v4.1: 1,089 of 1,613,908 alleles (0.067%); highest among the groups gnomAD compares: Middle Eastern, 0.12%; 1 homozygote.

Submissions (16):

Women's Health and Genetics/Laboratory Corporation of America, LabCorp
Classification: Uncertain significance. Last evaluated: 2026-06-23. Review status: criteria provided, single submitter. Criteria: LabCorp Variant Classification Summary - May 2015. Collection method: clinical testing. Allele origin: germline.
Comment: Variant summary: ACADVL c.1567G>A (p.Gly523Arg) results in a non-conservative amino acid change in the encoded protein sequence. Algorithms developed to predict the effect of missense changes on protein structure and function all suggest that this variant is likely to be disruptive. The variant allele was found at a frequency of 0.00042 in 250394 control chromosomes in the gnomAD database, including 1 homozygotes. This frequency is not significantly higher than estimated for disease-causing variants in ACADVL, allowing no conclusion about variant significance. c.1567G>A has been reported in the literature as a non-informative genotype and/or as uncertain classification in at-least two reports, one in an individual with sudden unexpected death (SUD) (Oshima_2017) and another in an individual with a history of exertional heat illness (EHI) or exertional rhabdomyolysis (ER) and normal responses to halothane and caffeine (Gardner_2020). These reports do not provide unequivocal conclusions about association of the variant with disease. To our knowledge, no experimental evidence demonstrating an impact on protein function has been reported. The following publications have been ascertained in the context of this evaluation (PMID: 32054689, 28747690). ClinVar contains an entry for this variant (Variation ID: 282928). Based on the evidence outlined above, the variant was classified as uncertain significance.

GeneDx
Classification: Uncertain significance. Last evaluated: 2026-02-06. Review status: criteria provided, single submitter. Criteria: GeneDx Variant Classification Process June 2021. Collection method: clinical testing. Allele origin: germline. Affected: yes.
Comment: Reported previously in a single individual with sudden infant death who was also heterozygous for another missense variant in the ACADVL gene; the phase of these variants was not determined and detailed clinical information was not provided (PMID: 28747690); In silico analysis suggests that this missense variant does not alter protein structure/function; Also known as p.(G546R); This variant is associated with the following publications: (PMID: 32054689, 26385305, 37671074, 41022664, 28747690)

Mayo Clinic Laboratories, Mayo Clinic
Classification: Uncertain significance. Last evaluated: 2025-09-25. Review status: criteria provided, single submitter. Criteria: ACMG Guidelines, 2015. Collection method: clinical testing. Allele origin: germline. Observed: 6 variant alleles.

Blueprint Genetics
Classification: Uncertain significance. Last evaluated: 2024-11-25. Review status: criteria provided, single submitter. Criteria: ACMG Guidelines, 2015. Collection method: clinical testing. Allele origin: germline.

Department of Genetics of Metabolic Diseases, Institute of Medical & Molecular Genetics, Hospital Universitario Hospital La Paz
Classification: Uncertain significance for Very long chain acyl-CoA dehydrogenase deficiency. Last evaluated: 2024-09-01. Review status: criteria provided, single submitter. Criteria: ACMG Guidelines, 2015. Collection method: clinical testing. Allele origin: germline. Inheritance: Autosomal recessive inheritance. Affected: yes.
Comment: The variant c.1567G>A p.(Gly523Arg) in the ACADVL gene is present at low frequency in gnomAD (0.04224%) and the in silico analysis through computational prediction tools is not conclusive. This variant has been reported in compound heterozygosity in PMID: 28747690. Additionally, it has been observed in a newborn with NBS C14:1 levels >1,0 μmol/L and Follow-up plasma acylcarnitine analysis consistent with VLCADD, carrying this variant along with a second pathogenic variant without confirmation of phasing (PMID: Hidalgo Mayoral I et al., in press).

Baylor Genetics
Classification: Uncertain significance for Very long chain acyl-CoA dehydrogenase deficiency. Last evaluated: 2023-01-04. Review status: criteria provided, single submitter. Criteria: ACMG Guidelines, 2015. Collection method: clinical testing. Allele origin: unknown.

Labcorp Genetics (formerly Invitae), Labcorp
Classification: Uncertain significance for Very long chain acyl-CoA dehydrogenase deficiency. Last evaluated: 2022-10-24. Review status: criteria provided, single submitter. Criteria: Invitae Variant Classification Sherloc (09022015). Collection method: clinical testing. Allele origin: germline.
Comment: This sequence change replaces glycine, which is neutral and non-polar, with arginine, which is basic and polar, at codon 523 of the ACADVL protein (p.Gly523Arg). This variant is present in population databases (rs139425622, gnomAD 0.08%). This missense change has been observed in individual(s) with sudden infant death (PMID: 28747690; Invitae). ClinVar contains an entry for this variant (Variation ID: 282928). Advanced modeling of protein sequence and biophysical properties (such as structural, functional, and spatial information, amino acid conservation, physicochemical variation, residue mobility, and thermodynamic stability) performed at Invitae indicates that this missense variant is expected to disrupt ACADVL protein function. In summary, the available evidence is currently insufficient to determine the role of this variant in disease. Therefore, it has been classified as a Variant of Uncertain Significance.

Fulgent Genetics
Classification: Uncertain significance for Very long chain acyl-CoA dehydrogenase deficiency. Last evaluated: 2022-05-19. Review status: criteria provided, single submitter. Criteria: ACMG Guidelines, 2015. Collection method: clinical testing. Allele origin: unknown.

Ambry Genetics
Classification: Uncertain significance for Inborn genetic diseases. Last evaluated: 2021-09-02. Review status: criteria provided, single submitter. Criteria: Ambry Variant Classification Scheme 2023. Collection method: clinical testing. Allele origin: germline.

Genome-Nilou Lab
Classification: Uncertain significance for Very long chain acyl-CoA dehydrogenase deficiency. Last evaluated: 2021-07-14. Review status: criteria provided, single submitter. Criteria: ACMG Guidelines, 2015. Collection method: clinical testing. Allele origin: germline. Affected: no.

Revvity Omics, Revvity
Classification: Uncertain significance for Very long chain acyl-CoA dehydrogenase deficiency. Last evaluated: 2020-06-12. Review status: criteria provided, single submitter. Criteria: ACMG Guidelines, 2015. Collection method: clinical testing. Allele origin: germline.

Wong Mito Lab, Molecular and Human Genetics, Baylor College of Medicine
Classification: Uncertain significance for Very long chain acyl-CoA dehydrogenase deficiency. Last evaluated: 2019-11-01. Review status: criteria provided, single submitter. Criteria: ACMG Guidelines, 2015. Collection method: clinical testing. Allele origin: germline.
Comment: The NM_000018.3:c.1567G>A (NP_000009.1:p.Gly523Arg) [GRCH38: NC_000017.11:g.7224355G>A] variant in ACADVL gene is interpretated to be Uncertain Significance based on ACMG guidelines (PMID: 25741868). This variant has been reported. This variant dose not meet any evidence codes reported in the ACMG guidelines.

Illumina Laboratory Services, Illumina
Classification: Uncertain significance for Very long chain acyl-CoA dehydrogenase deficiency. Last evaluated: 2018-01-12. Review status: criteria provided, single submitter. Criteria: ICSL Variant Classification Criteria 13 December 2019. Collection method: clinical testing. Allele origin: germline.

ARUP Laboratories, Molecular Genetics and Genomics, ARUP Laboratories
Classification: Uncertain significance. Last evaluated: 2017-04-01. Review status: criteria provided, single submitter. Criteria: ARUP Molecular Germline Variant Investigation Process. Collection method: clinical testing. Allele origin: germline.

Eurofins Ntd Llc (ga)
Classification: Uncertain significance. Last evaluated: 2015-08-25. Review status: criteria provided, single submitter. Criteria: EGL Classification Definitions 2015. Collection method: clinical testing. Allele origin: germline. Observed: 1 variant allele, 1 heterozygote.

Natera, Inc.
Classification: Uncertain significance for Very long chain acyl-CoA dehydrogenase deficiency. Last evaluated: 2020-09-16. Review status: no assertion criteria provided. Collection method: clinical testing. Allele origin: germline. Not counted in ClinVar's aggregate classification.

Literature cited by the submitters: PubMed 32054689 (cited by Women's Health and Genetics/Laboratory Corporation of America, LabCorp and Mayo Clinic Laboratories, Mayo Clinic); PubMed 28747690 (cited by 4 submitters); PubMed 41022664 (cited by Department of Genetics of Metabolic Diseases, Institute of Medical & Molecular Genetics, Hospital Universitario Hospital La Paz); PubMed 26385305 (cited by Ambry Genetics); PubMed 32954689 (cited by Ambry Genetics).

NM_000018.4(ACADVL):c.1567G>A (p.Gly523Arg)

Gene: ACADVL (acyl-CoA dehydrogenase very long chain; plus strand). Cytogenetic location: 17p13.1.
Variant type: single nucleotide variant.
Coding change: c.1567G>A on transcript NM_000018.4 (MANE Select); coding-DNA position 1567, G replaced by A.
Protein change: p.Gly523Arg; replaces glycine 523 with arginine.
Molecular consequence: missense variant.
Genome position (GRCh38, 1-based): chr17:7,224,355, G>A. VCF-style: chr17-7224355-G-A. GRCh37 (hg19) VCF-style: chr17-7127674-G-A.
Other names: p.Gly523Arg; c.1567G>A (NM_000018.2); c.1501G>A, p.Gly501Arg (NM_001033859.3); c.1636G>A, p.Gly546Arg (NM_001270447.2); c.1339G>A, p.Gly447Arg (NM_001270448.2); short protein forms G523R, G447R, G501R, G546R.
Identifiers: ClinVar variation 282928 (VCV000282928.38), dbSNP rs139425622, ClinGen allele CA8338154.
Genomic context (GRCh38, chr17:7,224,355, plus strand): 5'-CCAGTCATTCTCCCTCTTCCTCTCAGGCGGGCAGGGCTGGGCAGCGGCCTGAGTCTCAGC[G>A]GACTTGTCCACCCGGAGTTGAGTCGGAGTGGCGAGCTGGTAAGTGGCCAGGGGTCCAGGA-3'
Protein context (NP_000009.1, residues 513-533): AGLGSGLSLS[Gly523Arg]LVHPELSRSG